The following is an entry in ClinVar:

NM_001374353.1(GLI2):c.1300C>G (p.Gln434Glu)

Gene: GLI2 (GLI family zinc finger 2; plus strand). Cytogenetic location: 2q14.2.
Variant type: single nucleotide variant.
Coding change: c.1300C>G on transcript NM_001374353.1 (MANE Select); coding-DNA position 1300, C replaced by G.
Protein change: p.Gln434Glu; replaces glutamine 434 with glutamic acid.
Molecular consequence: missense variant.
Genome position (GRCh38, 1-based): chr2:120,975,092, C>G. VCF-style: chr2-120975092-C-G. GRCh37 (hg19) VCF-style: chr2-121732668-C-G.
Other names: c.1351C>G, p.Gln451Glu (NM_001371271.1, NM_005270.5); c.925C>G, p.Gln309Glu (NM_001374354.1); short protein forms Q309E, Q451E, Q434E.
Identifiers: ClinVar variation 1375826 (VCV001375826.6), dbSNP rs767205563, ClinGen allele CA54370463.
Genomic context (GRCh38, chr2:120,975,092, plus strand): 5'-GAGGTGGTCATCTATGAGACCAACTGCCACTGGGAAGACTGCACCAAGGAGTACGACACC[C>G]AGGAGCAGCTGGTGCATGTAAGCTTTTGAACCCCAGCAGCCCGCCAACCGGGGCACGGCC-3'
Protein context (NP_001361282.1, residues 424-444): WEDCTKEYDT[Gln434Glu]EQLVHHINNE

ClinVar aggregate classification (germline): Uncertain significance (1 of 4 stars; one submission).

Conditions:
Postaxial polydactyly-anterior pituitary anomalies-facial dysmorphism syndrome. Also called: Culler-Jones syndrome. Identifiers: Orphanet 420584, MedGen C4014479, MONDO:0014369, OMIM 615849.
Holoprosencephaly 9 (HPE9). Also called: HOLOPROSENCEPHALY WITH MICROPHTHALMIA AND FIRST BRANCHIAL ARCH ANOMALIES; PITUITARY ANOMALIES WITH HOLOPROSENCEPHALY-LIKE FEATURES. Identifiers: Orphanet 2162, MedGen C1835819, MONDO:0012563, OMIM 610829.

Allele frequency attached by ClinVar (database versions not stated): gnomAD exomes 0.00001.
gnomAD v4.1: 11 of 1,613,954 alleles (0.00068%); highest among the groups gnomAD compares: Non-Finnish European, 0.00093%; no homozygotes.

Submission:

Labcorp Genetics (formerly Invitae), Labcorp
Classification: Uncertain significance for Postaxial polydactyly-anterior pituitary anomalies-facial dysmorphism syndrome; Holoprosencephaly 9. Last evaluated: 2024-12-09. Review status: criteria provided, single submitter. Criteria: Invitae Variant Classification Sherloc (09022015). Collection method: clinical testing. Allele origin: germline.
Comment: This sequence change replaces glutamine, which is neutral and polar, with glutamic acid, which is acidic and polar, at codon 451 of the GLI2 protein (p.Gln451Glu). This variant is not present in population databases (gnomAD no frequency). This missense change has been observed in individual(s) with semilobar holoprosencephaly (internal data). ClinVar contains an entry for this variant (Variation ID: 1375826). Invitae Evidence Modeling of protein sequence and biophysical properties (such as structural, functional, and spatial information, amino acid conservation, physicochemical variation, residue mobility, and thermodynamic stability) indicates that this missense variant is expected to disrupt GLI2 protein function with a positive predictive value of 80%. In summary, the available evidence is currently insufficient to determine the role of this variant in disease. Therefore, it has been classified as a Variant of Uncertain Significance.